The following is an entry in ClinVar:

NM_014408.5(TRAPPC3):c.521A>G (p.Asn174Ser)

Gene: TRAPPC3 (trafficking protein particle complex subunit 3; minus strand). Cytogenetic location: 1p34.3.
Variant type: single nucleotide variant.
Coding change: c.521A>G on transcript NM_014408.5 (MANE Select); coding-DNA position 521, A replaced by G.
Protein change: p.Asn174Ser; replaces asparagine 174 with serine.
Molecular consequence: missense variant. On other transcripts: non-coding transcript variant (2).
Genome position (GRCh38, 1-based): chr1:36,137,225, T>C on the plus strand (A>G on the coding strand, the complement: TRAPPC3 is on the minus strand). VCF-style: chr1-36137225-T-C. GRCh37 (hg19) VCF-style: chr1-36602826-T-C.
Other names: c.521A>G (NM_014408.3); c.545A>G, p.Asn182Ser (NM_001270894.2); c.383A>G, p.Asn128Ser (NM_001270895.2, NM_001270896.2); c.323A>G, p.Asn108Ser (NM_001270897.2); short protein forms N182S, N108S, N128S, N174S.
Identifiers: ClinVar variation 2200675 (VCV002200675.5), dbSNP rs377123436, ClinGen allele CA765228.

ClinVar aggregate classification (germline): Uncertain significance. Review status: criteria provided, multiple submitters, no conflicts (2 of 4 stars). 2 submissions from 2 submitters: Uncertain significance (2). Last evaluated 2025-11-19.

Allele frequency attached by ClinVar (database versions not stated): ESP Exome Variant Server 0.00015; gnomAD exomes 0.00018; ExAC 0.00027; gnomAD 0.00033; TOPMed 0.00040; 1000 Genomes Project 30x 0.00062; 1000 Genomes Project 0.00080.

Submissions (2):

Labcorp Genetics (formerly Invitae), Labcorp
Classification: Uncertain significance. Last evaluated: 2025-11-19. Review status: criteria provided, single submitter. Criteria: Invitae Variant Classification Sherloc (09022015). Collection method: clinical testing. Allele origin: germline.
Comment: This sequence change replaces asparagine, which is neutral and polar, with serine, which is neutral and polar, at codon 182 of the TRAPPC3 protein (p.Asn182Ser). This variant is present in population databases (rs377123436, gnomAD 0.1%), and has an allele count higher than expected for a pathogenic variant. This variant has not been reported in the literature in individuals affected with TRAPPC3-related conditions. ClinVar contains an entry for this variant (Variation ID: 2200675). Experimental studies and prediction algorithms are not available or were not evaluated, and the functional significance of this variant is currently unknown. In summary, the available evidence is currently insufficient to determine the role of this variant in disease. Therefore, it has been classified as a Variant of Uncertain Significance.

Ambry Genetics
Classification: Uncertain significance. Last evaluated: 2025-08-01. Review status: criteria provided, single submitter. Criteria: Ambry Variant Classification Scheme 2023. Collection method: clinical testing. Allele origin: germline.